The following is an entry in ClinVar:

ClinVar aggregate classification (germline): Uncertain significance (1 of 4 stars; one submission).

Conditions:
Neurodevelopmental disorder with or without early-onset generalized epilepsy. Identifiers: MedGen C5436914, MONDO:0030930, OMIM 619157.

gnomAD v4.1: 21 of 1,584,658 alleles (0.0013%); highest among the groups gnomAD compares: Middle Eastern, 0.034%; no homozygotes.

Submission:

Neuberg Centre For Genomic Medicine, NCGM
Classification: Uncertain significance for Neurodevelopmental disorder with or without early-onset generalized epilepsy. Last evaluated: 2023-05-20. Review status: criteria provided, single submitter. Criteria: ACMG Guidelines, 2015. Collection method: clinical testing. Allele origin: germline. Inheritance: Autosomal dominant inheritance. Affected: yes.
Comment: The observed missense c.4936G>A(p.Ala1646Thr) variant in NBEA gene has not been reported previously as a pathogenic variant nor a benign variant, to our knowledge. The p.Ala1646Thr variant has been reported with allele frequency of 0.0009% in gnomAD Exomes. This variant has not been submitted to the ClinVar database. Multiple lines of computational evidences (Polyphen - Benign, SIFT - Tolerated and MutationTaster - Disease causing) predict conflicting evidence on protein structure and function for this variant. The reference amino acid at this position on NBEA gene is predicted as conserved by GERP++ and PhyloP across 100 vertebrates. The amino acid Ala at position 1646 is changed to a Thr changing protein sequence and it might alter its composition and physico-chemical properties. For these reasons, this variant has been classified as a Variant of Uncertain Significance (VUS).

NM_001385012.1(NBEA):c.4936G>A (p.Ala1646Thr)

Gene: NBEA (neurobeachin; plus strand). Cytogenetic location: 13q13.3.
Variant type: single nucleotide variant.
Coding change: c.4936G>A on transcript NM_001385012.1 (MANE Select); coding-DNA position 4936, G replaced by A.
Protein change: p.Ala1646Thr; replaces alanine 1646 with threonine.
Molecular consequence: missense variant.
Genome position (GRCh38, 1-based): chr13:35,195,872, G>A. VCF-style: chr13-35195872-G-A. GRCh37 (hg19) VCF-style: chr13-35770009-G-A.
Other names: c.4927G>A, p.Ala1643Thr (NM_001379245.1); c.4936G>A, p.Ala1646Thr (NM_015678.5); short protein forms A1643T, A1646T.
Identifiers: ClinVar variation 3362349 (VCV003362349.3).